The following is an entry in ClinVar:

NM_020774.4(MIB1):c.2587-68T>C

Gene: MIB1 (MIB E3 ubiquitin protein ligase 1; plus strand). Cytogenetic location: 18q11.2.
Variant type: single nucleotide variant.
Coding change: c.2587-68T>C on transcript NM_020774.4 (MANE Select); 68 bases into the intron before coding-DNA position 2587, T replaced by C.
Molecular consequence: intron variant.
Genome position (GRCh38, 1-based): chr18:21,853,072, T>C. VCF-style: chr18-21853072-T-C. GRCh37 (hg19) VCF-style: chr18-19433033-T-C.
Identifiers: ClinVar variation 679621 (VCV000679621.2), dbSNP rs116304397, ClinGen allele CA296940472.

ClinVar aggregate classification (germline): Likely benign. Review status: criteria provided, multiple submitters, no conflicts (2 of 4 stars). 2 submissions from 2 submitters: Likely benign (2). Last evaluated 2018-06-16.

Allele frequency attached by ClinVar (database versions not stated): gnomAD exomes 0.00153; gnomAD 0.01323 and 0.01415; 1000 Genomes Project 0.01458; TOPMed 0.01470; 1000 Genomes Project 30x 0.01593.
gnomAD v4.1: 3,363 of 1,020,058 alleles (0.33%); highest among the groups gnomAD compares: African/African-American, 4.7%; 73 homozygotes.

Submissions (2):

GeneDx
Classification: Likely benign. Last evaluated: 2018-06-16. Review status: criteria provided, single submitter. Criteria: GeneDx Variant Classification (06012015). Collection method: clinical testing. Allele origin: germline. Affected: yes.
Comment: This variant is considered likely benign or benign based on one or more of the following criteria: it is a conservative change, it occurs at a poorly conserved position in the protein, it is predicted to be benign by multiple in silico algorithms, and/or has population frequency not consistent with disease.

Breakthrough Genomics
Classification: Likely benign. Review status: criteria provided, single submitter. Criteria: ACMG Guidelines, 2015. Collection method: not provided. Allele origin: germline. Inheritance: Autosomal dominant inheritance. Affected: yes.